The following is an entry in ClinVar:

ClinVar aggregate classification (germline): Uncertain significance (1 of 4 stars; one submission).

Submission:

GeneDx
Classification: Uncertain significance. Last evaluated: 2025-07-11. Review status: criteria provided, single submitter. Criteria: GeneDx Variant Classification Process June 2021. Collection method: clinical testing. Allele origin: germline. Affected: yes.
Comment: Not observed at significant frequency in large population cohorts (gnomAD); In silico analysis suggests that this missense variant does not alter protein structure/function; Has not been previously published as pathogenic or benign to our knowledge

NM_033305.3(VPS13A):c.7240T>C (p.Phe2414Leu)

Gene: VPS13A (vacuolar protein sorting 13 homolog A; plus strand). Cytogenetic location: 9q21.2.
Variant type: single nucleotide variant.
Coding change: c.7240T>C on transcript NM_033305.3 (MANE Select); coding-DNA position 7240, T replaced by C.
Protein change: p.Phe2414Leu; replaces phenylalanine 2414 with leucine.
Molecular consequence: missense variant.
Genome position (GRCh38, 1-based): chr9:77,345,093, T>C. VCF-style: chr9-77345093-T-C. GRCh37 (hg19) VCF-style: chr9-79960009-T-C.
Other names: c.7123T>C, p.Phe2375Leu (NM_001018037.2); c.7240T>C, p.Phe2414Leu (NM_001018038.3, NM_015186.4); short protein forms F2375L, F2414L.
Identifiers: ClinVar variation 4685293 (VCV004685293.1).